The following is an entry in ClinVar:

ClinVar aggregate classification (germline): Conflicting classifications of pathogenicity. Review status: criteria provided, conflicting classifications (1 of 4 stars). 4 submissions from 4 submitters: Uncertain significance (3); Likely benign (1). Last evaluated 2026-07-28.

Conditions:
COL11A2-related disorder. Also called: COL11A2-related disorders; COL11A2-related condition.

Allele frequency attached by ClinVar (database versions not stated): gnomAD below 0.00001 and 0.00002; TOPMed 0.00001; gnomAD exomes 0.00003 and 0.00011; ExAC 0.00011; 1000 Genomes Project 30x 0.00031; 1000 Genomes Project 0.00040.
gnomAD v4.1: 56 of 1,614,194 alleles (0.0035%); highest among the groups gnomAD compares: South Asian, 0.042%; no homozygotes.

Submissions (4):

PreventionGenetics, part of Exact Sciences
Classification: Uncertain significance for COL11A2-related condition. Last evaluated: 2026-07-28. Review status: criteria provided, single submitter. Criteria: ACMG Guidelines, 2015. Collection method: clinical testing. Allele origin: germline.
Comment: The COL11A2 c.361C>T variant is predicted to result in the amino acid substitution p.Arg121Cys. To our knowledge, this variant has not been reported in the literature. This variant is reported in 0.085% of alleles in individuals of South Asian descent in gnomAD. Although we suspect that this variant may be benign, at this time, the clinical significance of this variant is uncertain due to the absence of conclusive functional and genetic evidence.

Labcorp Genetics (formerly Invitae), Labcorp
Classification: Likely benign. Last evaluated: 2026-01-21. Review status: criteria provided, single submitter. Criteria: Invitae Variant Classification Sherloc (09022015). Collection method: clinical testing. Allele origin: germline.

GeneDx
Classification: Uncertain significance. Last evaluated: 2025-05-01. Review status: criteria provided, single submitter. Criteria: GeneDx Variant Classification Process June 2021. Collection method: clinical testing. Allele origin: germline. Affected: yes.
Comment: Has not been previously published as pathogenic or benign to our knowledge; In silico analysis suggests that this missense variant does not alter protein structure/function

Revvity Omics, Revvity
Classification: Uncertain significance. Last evaluated: 2024-02-07. Review status: criteria provided, single submitter. Criteria: ACMG Guidelines, 2015. Collection method: clinical testing. Allele origin: germline.

NM_080680.3(COL11A2):c.361C>T (p.Arg121Cys)

Gene: COL11A2 (collagen type XI alpha 2 chain; minus strand). Cytogenetic location: 6p21.32.
Variant type: single nucleotide variant.
Coding change: c.361C>T on transcript NM_080680.3 (MANE Select); coding-DNA position 361, C replaced by T.
Protein change: p.Arg121Cys; replaces arginine 121 with cysteine.
Molecular consequence: missense variant.
Genome position (GRCh38, 1-based): chr6:33,189,060, G>A on the plus strand (C>T on the coding strand, the complement: COL11A2 is on the minus strand). VCF-style: chr6-33189060-G-A. GRCh37 (hg19) VCF-style: chr6-33156837-G-A.
Other names: c.361C>T, p.Arg121Cys (NM_001163771.2, NM_080679.3, NM_080681.3); short protein forms R121C.
Identifiers: ClinVar variation 450507 (VCV000450507.16), dbSNP rs553025178, ClinGen allele CA3751685.